The following is an entry in ClinVar:

ClinVar aggregate classification (germline): Uncertain significance. Review status: criteria provided, single submitter (1 of 4 stars). 2 submissions from 2 submitters: Uncertain significance (1). 1 of the submissions does not count toward it. Last evaluated 2018-10-05.

Conditions:
Monogenic diabetes. Identifiers: Orphanet 183625, MedGen C3888631, MONDO:0015967.

Allele frequency attached by ClinVar (database versions not stated): gnomAD exomes 0.00017 and 0.00026; gnomAD 0.00018 and 0.00019; TOPMed 0.00018; ESP Exome Variant Server 0.00023; ExAC 0.00026.
gnomAD v4.1: 298 of 1,613,366 alleles (0.018%); highest among the groups gnomAD compares: Middle Eastern, 0.15%; no homozygotes.

Submissions (2):

Personalized Diabetes Medicine Program, University of Maryland School of Medicine
Classification: Uncertain significance for Monogenic diabetes. Last evaluated: 2018-10-05. Review status: criteria provided, single submitter. Criteria: ACMG Guidelines, 2015. Collection method: research. Allele origin: unknown. Observed: 1 variant allele, 1 heterozygote.
Comment: ACMG criteria: BP4 (REVEL 0.016 + 10 predictors): VUS; evidence thus far indicates digenic inheritance (PPARG) so unable to use frequency data, etc.

Department of Pathology and Laboratory Medicine, Sinai Health System
Classification: Uncertain significance. Review status: no assertion criteria provided. Collection method: clinical testing. Allele origin: unknown. Affected: yes. Study: The Canadian Open Genetics Repository (COGR). Not counted in ClinVar's aggregate classification.
Comment: The PPP1R3A p.Arg991Lys variant was not identified in the literature nor was it identified in ClinVar or LOVD 3.0. The variant was identified in dbSNP (ID: rs374950521) and Cosmic (FATHMM predicted neutra; score=0.09). The variant was identified in control databases in 69 of 281390 chromosomes at a frequency of 0.000245 (Genome Aggregation Database Feb 27, 2017). The variant was observed in the following populations: Ashkenazi Jewish in 26 of 10348 chromosomes (freq: 0.002513), Other in 4 of 7166 chromosomes (freq: 0.000558), European (non-Finnish) in 33 of 128362 chromosomes (freq: 0.000257), Latino in 4 of 35286 chromosomes (freq: 0.000113), African in 1 of 24622 chromosomes (freq: 0.000041) and South Asian in 1 of 30608 chromosomes (freq: 0.000033); it was not observed in the East Asian and European (Finnish) populations. The variant occurs outside of the splicing consensus sequence and in silico or computational prediction software programs (SpliceSiteFinder, MaxEntScan, NNSPLICE, GeneSplicer) do not predict a difference in splicing. The p.Arg991 residue is not conserved in mammals and computational analyses (PolyPhen-2, SIFT, AlignGVGD, BLOSUM, MutationTaster) do not suggest a high likelihood of impact to the protein; however, this information is not predictive enough to rule out pathogenicity. In summary, based on the above information the clinical significance of this variant cannot be determined with certainty at this time. This variant is classified as a variant of uncertain significance.

NM_002711.4(PPP1R3A):c.2972G>A (p.Arg991Lys)

Gene: PPP1R3A (protein phosphatase 1 regulatory subunit 3A; minus strand). Cytogenetic location: 7q31.1.
Variant type: single nucleotide variant.
Coding change: c.2972G>A on transcript NM_002711.4 (MANE Select); coding-DNA position 2972, G replaced by A.
Protein change: p.Arg991Lys; replaces arginine 991 with lysine.
Molecular consequence: missense variant.
Genome position (GRCh38, 1-based): chr7:113,878,120, C>T on the plus strand (G>A on the coding strand, the complement: PPP1R3A is on the minus strand). VCF-style: chr7-113878120-C-T. GRCh37 (hg19) VCF-style: chr7-113518175-C-T.
Other names: short protein forms R991K.
Identifiers: ClinVar variation 917436 (VCV000917436.3), dbSNP rs374950521, ClinGen allele CA4444982.